The following is an entry in ClinVar:

NM_003504.5(CDC45):c.199G>C (p.Glu67Gln)

Gene: CDC45 (cell division cycle 45; plus strand). Cytogenetic location: 22q11.21.
Variant type: single nucleotide variant.
Coding change: c.199G>C on transcript NM_003504.5 (MANE Select); coding-DNA position 199, G replaced by C.
Protein change: p.Glu67Gln; replaces glutamic acid 67 with glutamine.
Molecular consequence: missense variant. On other transcripts: non-coding transcript variant (1).
Genome position (GRCh38, 1-based): chr22:19,481,040, G>C. VCF-style: chr22-19481040-G-C. GRCh37 (hg19) VCF-style: chr22-19468563-G-C.
Other names: c.199G>C (NM_001178010.1); c.199G>C, p.Glu67Gln (NM_001178010.2, NM_001178011.2); c.163G>C, p.Glu55Gln (NM_001369291.1); short protein forms E55Q, E67Q.
Identifiers: ClinVar variation 1521210 (VCV001521210.9), dbSNP rs545468684, ClinGen allele CA10100962.
Genomic context (GRCh38, chr22:19,481,040, plus strand): 5'-TATACGCTGGTTCCAGTTTCTGGGTGGCAAGAACTTGAAACTGCATTTCTTGAGCATAAA[G>C]AACAGGTATTGAAGATGCGTTTTAGAATAACGTGGCTTTTTACTCAATTGTAATTTCTTG-3'
Protein context (NP_003495.1, residues 57-77): ELETAFLEHK[Glu67Gln]QFHYFILINC

ClinVar aggregate classification (germline): Conflicting classifications of pathogenicity. Review status: criteria provided, conflicting classifications (1 of 4 stars). 2 submissions from 2 submitters: Uncertain significance (1); Likely benign (1). Last evaluated 2022-07-30.

Conditions:
Inborn genetic diseases. Identifiers: MedGen C0950123, MeSH D030342.

Allele frequency attached by ClinVar (database versions not stated): gnomAD 0.00002 and 0.00004; gnomAD exomes 0.00003 and 0.00016; ExAC 0.00011; 1000 Genomes Project 30x 0.00031; 1000 Genomes Project 0.00040.
gnomAD v4.1: 52 of 1,608,296 alleles (0.0032%); highest among the groups gnomAD compares: East Asian, 0.1%; no homozygotes.

Submissions (2):

Labcorp Genetics (formerly Invitae), Labcorp
Classification: Uncertain significance. Last evaluated: 2022-07-30. Review status: criteria provided, single submitter. Criteria: Invitae Variant Classification Sherloc (09022015). Collection method: clinical testing. Allele origin: germline.
Comment: This variant has not been reported in the literature in individuals affected with CDC45-related conditions. This sequence change replaces glutamic acid, which is acidic and polar, with glutamine, which is neutral and polar, at codon 67 of the CDC45 protein (p.Glu67Gln). This variant is present in population databases (rs545468684, gnomAD 0.2%). ClinVar contains an entry for this variant (Variation ID: 1521210). Algorithms developed to predict the effect of missense changes on protein structure and function are either unavailable or do not agree on the potential impact of this missense change (SIFT: "Deleterious"; PolyPhen-2: "Benign"; Align-GVGD: "Class C0"). In summary, the available evidence is currently insufficient to determine the role of this variant in disease. Therefore, it has been classified as a Variant of Uncertain Significance.

Ambry Genetics
Classification: Likely benign for Inborn genetic diseases. Last evaluated: 2021-10-29. Review status: criteria provided, single submitter. Criteria: Ambry Variant Classification Scheme 2023. Collection method: clinical testing. Allele origin: germline.